The following is an entry in ClinVar:

ClinVar aggregate classification (germline): Uncertain significance (1 of 4 stars; one submission).

Submission:

Labcorp Genetics (formerly Invitae), Labcorp
Classification: Uncertain significance. Last evaluated: 2025-12-22. Review status: criteria provided, single submitter. Criteria: Invitae Variant Classification Sherloc (09022015). Collection method: clinical testing. Allele origin: germline.
Comment: This sequence change affects codon 501 of the DEAF1 mRNA. It is a 'silent' change, meaning that it does not change the encoded amino acid sequence of the DEAF1 protein. This variant also falls at the last nucleotide of exon 10, which is part of the consensus splice site for this exon. This variant is present in population databases (no rsID available, gnomAD 0.0009%). This variant has not been reported in the literature in individuals affected with DEAF1-related conditions. Variants that disrupt the consensus splice site are a relatively common cause of aberrant splicing (PMID: 17576681, 9536098). Algorithms developed to predict the effect of sequence changes on RNA splicing suggest that this variant may disrupt the consensus splice site. In summary, the available evidence is currently insufficient to determine the role of this variant in disease. Therefore, it has been classified as a Variant of Uncertain Significance.

Literature cited by the submitters: PubMed 17576681; PubMed 9536098.

NM_021008.4(DEAF1):c.1503G>A (p.Glu501=)

Genes: DEAF1 (DEAF1 transcription factor; minus strand), LOC126861109 (BRD4-independent group 4 enhancer GRCh37_chr11:673917-675116; plus strand). Cytogenetic location: 11p15.5.
Variant type: single nucleotide variant.
Coding change: c.1503G>A on transcript NM_021008.4 (MANE Select); coding-DNA position 1503, G replaced by A.
Protein change: p.Glu501=; no amino-acid change (glutamic acid 501 retained).
Molecular consequence: synonymous variant.
Genome position (GRCh38, 1-based): chr11:674,536, C>T on the plus strand (G>A on the coding strand, the complement: DEAF1 is on the minus strand). VCF-style: chr11-674536-C-T. GRCh37 (hg19) VCF-style: chr11-674536-C-T.
Other names: c.1236G>A, p.Glu412= (NM_001293634.2); c.777G>A, p.Glu259= (NM_001367390.1, NM_001440885.1, NM_001440886.1 and 1 more transcripts); c.1503G>A, p.Glu501= (NM_001440883.1); c.1374G>A, p.Glu458= (NM_001440884.1).
Identifiers: ClinVar variation 4733898 (VCV004733898.1).